The following is an entry in ClinVar:

ClinVar aggregate classification (germline): Likely benign. Review status: criteria provided, multiple submitters, no conflicts (2 of 4 stars). 3 submissions from 3 submitters: Likely benign (3). Last evaluated 2026-07-01.

Conditions:
Osteogenesis imperfecta type 17. Also called: Osteogenesis imperfecta, type xvii. Identifiers: Orphanet 666, MedGen C4225301, MONDO:0014672, OMIM 616507.

Submissions (3):

CeGaT Center for Human Genetics Tuebingen
Classification: Likely benign. Last evaluated: 2026-07-01. Review status: criteria provided, single submitter. Criteria: CeGaT Center For Human Genetics Tuebingen Variant Classification Criteria Version 2. Collection method: clinical testing. Allele origin: germline. Affected: yes. Observed: 6 variant alleles.
Comment: SPARC: PM4, BS1, BS2

Blueprint Genetics
Classification: Likely benign. Last evaluated: 2024-11-26. Review status: criteria provided, single submitter. Criteria: ACMG Guidelines, 2015. Collection method: clinical testing. Allele origin: germline.

ARUP Laboratories, Molecular Genetics and Genomics, ARUP Laboratories
Classification: Likely benign for Osteogenesis imperfecta type 17. Last evaluated: 2023-10-16. Review status: criteria provided, single submitter. Criteria: ARUP Molecular Germline Variant Investigation Process 2024. Collection method: clinical testing. Allele origin: germline.

NM_003118.4(SPARC):c.*114_*115del

Genes: SPARC (secreted protein acidic and cysteine rich; minus strand), LOC126807556 (MED14-independent group 3 enhancer GRCh37_chr5:151042798-151043997; plus strand). Cytogenetic location: 5q33.1.
Variant type: Deletion.
Coding change: c.*114_*115del on transcript NM_003118.4 (MANE Select); 114 bases downstream of the stop codon through 115 bases downstream of the stop codon, 2 bases deleted (TA; older notation c.*114_*115delTA).
Molecular consequence: 3 prime UTR variant. On other transcripts: frameshift variant (1), stop lost (1).
Genome position (GRCh38, 1-based): chr5:151,663,456-151,663,457, TA deleted on the plus strand (TA on the coding strand, the reverse complement: SPARC is on the minus strand); deleting any 2 consecutive bases within chr5:151,663,456-151,663,458 gives the same sequence; the c. name uses the placement nearest the transcript's 3' end. VCF-style (leftmost placement, unchanged base first): chr5-151663455-CTA-C. GRCh37 (hg19) VCF-style: chr5-151043016-CTA-C.
Other names: c.*114_*115del (NM_001309443.2); c.1024_1025del, p.Ter342AspextTer? (NM_001309444.2).
Identifiers: ClinVar variation 2920766 (VCV002920766.22), dbSNP rs71757813, ClinGen allele CA129958850.